The following is an entry in ClinVar:

ClinVar aggregate classification (germline): Uncertain significance (1 of 4 stars; one submission).

gnomAD v4.1: 1 of 1,609,566 alleles (0.000062%); highest among the groups gnomAD compares: African/African-American, 0.0013%; no homozygotes.

Submission:

Labcorp Genetics (formerly Invitae), Labcorp
Classification: Uncertain significance. Last evaluated: 2025-02-09. Review status: criteria provided, single submitter. Criteria: Invitae Variant Classification Sherloc (09022015). Collection method: clinical testing. Allele origin: germline.
Comment: This sequence change falls in intron 18 of the LZTR1 gene. It does not directly change the encoded amino acid sequence of the LZTR1 protein. This variant is not present in population databases (gnomAD no frequency). This variant has not been reported in the literature in individuals affected with LZTR1-related conditions. Algorithms developed to predict the effect of sequence changes on RNA splicing suggest that this variant may create or strengthen a splice site. In summary, the available evidence is currently insufficient to determine the role of this variant in disease. Therefore, it has been classified as a Variant of Uncertain Significance.

NM_006767.4(LZTR1):c.2219+16A>G

Gene: LZTR1 (leucine zipper like post translational regulator 1; plus strand). Cytogenetic location: 22q11.21.
Variant type: single nucleotide variant.
Coding change: c.2219+16A>G on transcript NM_006767.4 (MANE Select); 16 bases into the intron after coding-DNA position 2219, A replaced by G.
Molecular consequence: intron variant.
Genome position (GRCh38, 1-based): chr22:20,996,128, A>G. VCF-style: chr22-20996128-A-G. GRCh37 (hg19) VCF-style: chr22-21350417-A-G.
Identifiers: ClinVar variation 3694461 (VCV003694461.2).
Genomic context (GRCh38, chr22:20,996,128, plus strand): 5'-CTACATCTACTACGGCGAGGTCAACATGCCGCCCGAGGACTCGCTGCATCCTCACTCCCC[A>G]GTGAACTCCCAGGTCCCCACCAAGGGGTCCTGGCACCCACCTCAGGTGGCTTTGAGGCCC-3'